The following is an entry in ClinVar:

ClinVar aggregate classification (germline): Uncertain significance. Review status: criteria provided, multiple submitters, no conflicts (2 of 4 stars). 2 submissions from 2 submitters: Uncertain significance (2). Last evaluated 2025-12-09.

Allele frequency attached by ClinVar (database versions not stated): gnomAD exomes 0.00001.
gnomAD v4.1: 8 of 1,614,080 alleles (0.0005%); highest among the groups gnomAD compares: Non-Finnish European, 0.00059%; no homozygotes.

Submissions (2):

Mayo Clinic Laboratories, Mayo Clinic
Classification: Uncertain significance. Last evaluated: 2025-12-09. Review status: criteria provided, single submitter. Criteria: ACMG Guidelines, 2015. Collection method: clinical testing. Allele origin: germline. Observed: 1 variant allele.

GeneDx
Classification: Uncertain significance. Last evaluated: 2022-03-18. Review status: criteria provided, single submitter. Criteria: GeneDx Variant Classification Process June 2021. Collection method: clinical testing. Allele origin: germline. Affected: yes.
Comment: Not observed at significant frequency in large population cohorts (gnomAD); In silico analysis supports that this missense variant has a deleterious effect on protein structure/function; Has not been previously published as pathogenic or benign to our knowledge

NM_182961.4(SYNE1):c.21080A>G (p.Tyr7027Cys)

Gene: SYNE1 (spectrin repeat containing nuclear envelope protein 1; minus strand). Cytogenetic location: 6q25.2.
Variant type: single nucleotide variant.
Coding change: c.21080A>G on transcript NM_182961.4 (MANE Select); coding-DNA position 21080, A replaced by G.
Protein change: p.Tyr7027Cys; replaces tyrosine 7027 with cysteine.
Molecular consequence: missense variant.
Genome position (GRCh38, 1-based): chr6:152,230,662, T>C on the plus strand (A>G on the coding strand, the complement: SYNE1 is on the minus strand). VCF-style: chr6-152230662-T-C. GRCh37 (hg19) VCF-style: chr6-152551797-T-C.
Other names: p.Tyr6956Cys; c.20867A>G, p.Tyr6956Cys (NM_033071.5); short protein forms Y6956C, Y7027C.
Identifiers: ClinVar variation 1706095 (VCV001706095.3), dbSNP rs2551617620, ClinGen allele CA366112798.